The following is an entry in ClinVar:

NM_001386140.1(MTTP):c.2673C>T (p.Ser891=)

Gene: MTTP (microsomal triglyceride transfer protein; plus strand). Cytogenetic location: 4q23.
Variant type: single nucleotide variant.
Coding change: c.2673C>T on transcript NM_001386140.1 (MANE Select); coding-DNA position 2673, C replaced by T.
Protein change: p.Ser891=; no amino-acid change (serine 891 retained).
Molecular consequence: synonymous variant.
Genome position (GRCh38, 1-based): chr4:99,622,836, C>T. VCF-style: chr4-99622836-C-T. GRCh37 (hg19) VCF-style: chr4-100543993-C-T.
Other names: c.2673C>T (NM_000253.2); c.2673C>T, p.Ser891= (NM_000253.4); c.2424C>T, p.Ser808= (NM_001300785.2).
Identifiers: ClinVar variation 425336 (VCV000425336.61), dbSNP rs115222767, ClinGen allele CA3022427.

ClinVar aggregate classification (germline): Benign/Likely benign. Review status: criteria provided, multiple submitters, no conflicts (2 of 4 stars). 8 submissions from 8 submitters: Benign (1); Likely benign (4). 3 of the submissions do not count toward it. Last evaluated 2026-07-01.

Conditions:
Abetalipoproteinaemia (ABL). Also called: MTP DEFICIENCY; Abetalipoproteinemia; Abetalipoproteinemia neuropathy; Apolipoprotein B deficiency; Congenital betalipoprotein deficiency syndrome. Identifiers: Orphanet 14, MedGen C0000744, MONDO:0008692, OMIM 200100, HP:0008181.

Allele frequency attached by ClinVar (database versions not stated): gnomAD exomes 0.00028 and 0.00060; ExAC 0.00071; ESP Exome Variant Server 0.00223; gnomAD 0.00229 and 0.00236; TOPMed 0.00271; 1000 Genomes Project 0.00280; 1000 Genomes Project 30x 0.00281.
gnomAD v4.1: 766 of 1,614,044 alleles (0.047%); highest among the groups gnomAD compares: African/African-American, 0.8%; 3 homozygotes.

Submissions (8):

CeGaT Center for Human Genetics Tuebingen
Classification: Likely benign. Last evaluated: 2026-07-01. Review status: criteria provided, single submitter. Criteria: CeGaT Center For Human Genetics Tuebingen Variant Classification Criteria Version 2. Collection method: clinical testing. Allele origin: germline. Affected: yes. Observed: 3 variant alleles.
Comment: MTTP: BP4, BP7

Labcorp Genetics (formerly Invitae), Labcorp
Classification: Benign. Last evaluated: 2026-02-04. Review status: criteria provided, single submitter. Criteria: Invitae Variant Classification Sherloc (09022015). Collection method: clinical testing. Allele origin: germline.

Blueprint Genetics
Classification: Likely benign. Last evaluated: 2024-10-02. Review status: criteria provided, single submitter. Criteria: ACMG Guidelines, 2015. Collection method: clinical testing. Allele origin: germline.

GeneDx
Classification: Likely benign. Last evaluated: 2020-07-31. Review status: criteria provided, single submitter. Criteria: GeneDx Variant Classification Process June 2021. Collection method: clinical testing. Allele origin: germline. Affected: yes.

Eurofins Ntd Llc (ga)
Classification: Likely benign. Last evaluated: 2018-08-15. Review status: criteria provided, single submitter. Criteria: EGL ClinVar v180209 classification definitions. Collection method: clinical testing. Allele origin: germline. Observed: 1 variant allele, 1 heterozygote.

Natera, Inc.
Classification: Benign for Abetalipoproteinemia. Last evaluated: 2020-09-16. Review status: no assertion criteria provided. Collection method: clinical testing. Allele origin: germline. Not counted in ClinVar's aggregate classification.

Clinical Genetics DNA and cytogenetics Diagnostics Lab, Erasmus MC, Erasmus Medical Center
Classification: Likely benign. Review status: no assertion criteria provided. Collection method: clinical testing. Allele origin: germline. Affected: yes. Study: VKGL Data-share Consensus. Not counted in ClinVar's aggregate classification.

Clinical Genetics, Academic Medical Center
Classification: Likely benign. Review status: no assertion criteria provided. Collection method: clinical testing. Allele origin: germline. Affected: yes. Study: VKGL Data-share Consensus. Not counted in ClinVar's aggregate classification.